The following is an entry in ClinVar:

ClinVar aggregate classification (germline): Uncertain significance (1 of 4 stars; one submission).

Submission:

Ambry Genetics
Classification: Uncertain significance. Last evaluated: 2023-03-22. Review status: criteria provided, single submitter. Criteria: Ambry Variant Classification Scheme 2023. Collection method: clinical testing. Allele origin: germline.
Comment: The p.G698D variant (also known as c.2093G>A), located in coding exon 10 of the PALLD gene, results from a G to A substitution at nucleotide position 2093. The glycine at codon 698 is replaced by aspartic acid, an amino acid with similar properties. This amino acid position is conserved. In addition, this alteration is predicted to be deleterious by in silico analysis. Since supporting evidence is limited at this time, the clinical significance of this alteration remains unclear.

NM_001166108.2(PALLD):c.2093G>A (p.Gly698Asp)

Gene: PALLD (palladin, cytoskeletal associated protein; plus strand). Cytogenetic location: 4q32.3.
Variant type: single nucleotide variant.
Coding change: c.2093G>A on transcript NM_001166108.2 (MANE Select); coding-DNA position 2093, G replaced by A.
Protein change: p.Gly698Asp; replaces glycine 698 with aspartic acid.
Molecular consequence: missense variant. On other transcripts: 5 prime UTR variant (4).
Genome position (GRCh38, 1-based): chr4:168,891,050, G>A. VCF-style: chr4-168891050-G-A. GRCh37 (hg19) VCF-style: chr4-169812201-G-A.
Other names: c.947G>A, p.Gly316Asp (NM_001166109.2); c.632G>A, p.Gly211Asp (NM_001166110.2); c.-29G>A (NM_001367567.1, NM_001367568.1, NM_001367569.1 and 1 more transcripts); c.2093G>A, p.Gly698Asp (NM_016081.4); short protein forms G211D, G698D, G316D.
Identifiers: ClinVar variation 2563386 (VCV002563386.2), dbSNP rs2533588573, ClinGen allele CA358797329.
Genomic context (GRCh38, chr4:168,891,050, plus strand): 5'-ATGCTGTTATTCAAGACCTGGAACGAAAACTTCGCTTCAAGGAGGACCTCCTGAACAATG[G>A]CCAGCCGGTACTGATAGATTTGGGACCTGGACTTGGAATGTTAGCTACCCACATACCTTT-3'
Protein context (NP_001159580.1, residues 688-708): LRFKEDLLNN[Gly698Asp]QPRLTYEERM